The following is an entry in ClinVar:

NM_002528.7(NTHL1):c.143A>G (p.Lys48Arg)

Gene: NTHL1 (nth like DNA glycosylase 1; minus strand). Cytogenetic location: 16p13.3.
Variant type: single nucleotide variant.
Coding change: c.143A>G on transcript NM_002528.7 (MANE Select); coding-DNA position 143, A replaced by G.
Protein change: p.Lys48Arg; replaces lysine 48 with arginine.
Molecular consequence: missense variant. On other transcripts: 5 prime UTR variant (1).
Genome position (GRCh38, 1-based): chr16:2,046,339, T>C on the plus strand (A>G on the coding strand, the complement: NTHL1 is on the minus strand). VCF-style: chr16-2046339-T-C. GRCh37 (hg19) VCF-style: chr16-2096340-T-C.
Other names: c.143A>G, p.Lys48Arg (NM_001318193.2); c.-36A>G (NM_001318194.2); short protein forms K48R.
Identifiers: ClinVar variation 1024898 (VCV001024898.6), dbSNP rs2084385937, ClinGen allele CA394297989.

ClinVar aggregate classification (germline): Uncertain significance (1 of 4 stars; one submission).

Allele frequency attached by ClinVar (database versions not stated): gnomAD exomes below 0.00001.
gnomAD v4.1: 1 of 1,608,478 alleles (0.000062%); highest among the groups gnomAD compares: Non-Finnish European, 0.000085%; no homozygotes.

Submission:

Labcorp Genetics (formerly Invitae), Labcorp
Classification: Uncertain significance. Last evaluated: 2021-10-18. Review status: criteria provided, single submitter. Criteria: Invitae Variant Classification Sherloc (09022015). Collection method: clinical testing. Allele origin: germline.
Comment: This variant is not present in population databases (gnomAD no frequency). This sequence change replaces lysine, which is basic and polar, with arginine, which is basic and polar, at codon 56 of the NTHL1 protein (p.Lys56Arg). This variant has not been reported in the literature in individuals affected with NTHL1-related conditions. ClinVar contains an entry for this variant (Variation ID: 1024898). Algorithms developed to predict the effect of missense changes on protein structure and function output the following: SIFT: "Not Available"; PolyPhen-2: "Benign"; Align-GVGD: "Not Available". The arginine amino acid residue is found in multiple mammalian species, which suggests that this missense change does not adversely affect protein function. In summary, the available evidence is currently insufficient to determine the role of this variant in disease. Therefore, it has been classified as a Variant of Uncertain Significance.